The following is an entry in ClinVar:

ClinVar aggregate classification (germline): Uncertain significance (1 of 4 stars; one submission).

Conditions:
Ullrich congenital muscular dystrophy 2 (UCMD2). Identifiers: Orphanet 75840, MedGen C4225314, MONDO:0014654, OMIM 616470.
Bethlem myopathy 2 (BTHLM2). Identifiers: Orphanet 536516, Orphanet 610, MedGen C4225313, MONDO:0034022, OMIM 616471.

Submission:

Labcorp Genetics (formerly Invitae), Labcorp
Classification: Uncertain significance for Bethlem myopathy 2; Ullrich congenital muscular dystrophy 2. Last evaluated: 2024-04-26. Review status: criteria provided, single submitter. Criteria: Invitae Variant Classification Sherloc (09022015). Collection method: clinical testing. Allele origin: germline.
Comment: This sequence change replaces alanine, which is neutral and non-polar, with threonine, which is neutral and polar, at codon 2330 of the COL12A1 protein (p.Ala2330Thr). This variant is not present in population databases (gnomAD no frequency). This variant has not been reported in the literature in individuals affected with COL12A1-related conditions. Advanced modeling of protein sequence and biophysical properties (such as structural, functional, and spatial information, amino acid conservation, physicochemical variation, residue mobility, and thermodynamic stability) performed at Invitae indicates that this missense variant is not expected to disrupt COL12A1 protein function with a negative predictive value of 80%. In summary, the available evidence is currently insufficient to determine the role of this variant in disease. Therefore, it has been classified as a Variant of Uncertain Significance.

NM_004370.6(COL12A1):c.6988G>A (p.Ala2330Thr)

Gene: COL12A1 (collagen type XII alpha 1 chain; minus strand). Cytogenetic location: 6q13.
Variant type: single nucleotide variant.
Coding change: c.6988G>A on transcript NM_004370.6 (MANE Select); coding-DNA position 6988, G replaced by A.
Protein change: p.Ala2330Thr; replaces alanine 2330 with threonine.
Molecular consequence: missense variant.
Genome position (GRCh38, 1-based): chr6:75,121,400, C>T on the plus strand (G>A on the coding strand, the complement: COL12A1 is on the minus strand). VCF-style: chr6-75121400-C-T. GRCh37 (hg19) VCF-style: chr6-75831116-C-T.
Other names: c.6967G>A, p.Ala2323Thr (NM_001424114.1); c.6715G>A, p.Ala2239Thr (NM_001424115.1); c.3496G>A, p.Ala1166Thr (NM_001424116.1, NM_080645.3); c.6988G>A, p.Ala2330Thr (NM_001424113.1); short protein forms A1166T, A2239T, A2323T, A2330T.
Identifiers: ClinVar variation 3755501 (VCV003755501.2).
Genomic context (GRCh38, chr6:75,121,400, plus strand): 5'-CAGTATTGAAGATGAATTTTACAACTTTGTTAAAATTATCGTCCCCAATGCTCCAGGAGG[C>T]ATCAGTCAAGAACACAATATCTGCCTTGGCCCCTTTGCATACTGCAAAAAAAGAAAGCAG-3'
Protein context (NP_004361.3, residues 2320-2340): AKADIVFLTD[Ala2330Thr]SWSIGDDNFN